The following is an entry in ClinVar:

NM_001136271.3(NKX2-6):c.274C>A (p.Gln92Lys)

Gene: NKX2-6 (NK2 homeobox 6; minus strand). Cytogenetic location: 8p21.2.
Variant type: single nucleotide variant.
Coding change: c.274C>A on transcript NM_001136271.3 (MANE Select); coding-DNA position 274, C replaced by A.
Protein change: p.Gln92Lys; replaces glutamine 92 with lysine.
Molecular consequence: missense variant.
Genome position (GRCh38, 1-based): chr8:23,706,325, G>T on the plus strand (C>A on the coding strand, the complement: NKX2-6 is on the minus strand). VCF-style: chr8-23706325-G-T. GRCh37 (hg19) VCF-style: chr8-23563838-G-T.
Other names: short protein forms Q92K.
Identifiers: ClinVar variation 423840 (VCV000423840.6), dbSNP rs530501230, ClinGen allele CA4678003.
Genomic context (GRCh38, chr8:23,706,325, plus strand): 5'-GGATCACGCCCCCGCCCCCACATTCCCCCCGTAGGAGGCAAGACCTGAGCGCTTACTCAC[G>T]TGGCTCCCCCATCCGTTCCGCGTCCATCTCCAAGACTGCCTCACAGGGACCCCCAGGAGG-3'
Protein context (NP_001129743.2, residues 82-102): EMDAERMGEP[Gln92Lys]PGLNAASPLG

ClinVar aggregate classification (germline): Uncertain significance. Review status: criteria provided, multiple submitters, no conflicts (2 of 4 stars). 2 submissions from 2 submitters: Uncertain significance (2). Last evaluated 2022-08-15.

Conditions:
Conotruncal heart malformations (CTHM). Also called: Conotruncal heart malformations, variable. Identifiers: Orphanet 2445, Orphanet 3384, Orphanet 3426, MedGen C1857586, MONDO:0016581, OMIM 217095.

Allele frequency attached by ClinVar (database versions not stated): gnomAD 0.00001; TOPMed 0.00001; gnomAD exomes 0.00002 and 0.00007; ExAC 0.00011; 1000 Genomes Project 0.00040; 1000 Genomes Project 30x 0.00047.
gnomAD v4.1: 23 of 1,530,754 alleles (0.0015%); highest among the groups gnomAD compares: South Asian, 0.026%; no homozygotes.

Submissions (2):

Labcorp Genetics (formerly Invitae), Labcorp
Classification: Uncertain significance for Conotruncal heart malformations. Last evaluated: 2022-08-15. Review status: criteria provided, single submitter. Criteria: Invitae Variant Classification Sherloc (09022015). Collection method: clinical testing. Allele origin: germline.
Comment: This sequence change replaces glutamine, which is neutral and polar, with lysine, which is basic and polar, at codon 92 of the NKX2-6 protein (p.Gln92Lys). This variant is present in population databases (rs530501230, gnomAD 0.05%). In summary, the available evidence is currently insufficient to determine the role of this variant in disease. Therefore, it has been classified as a Variant of Uncertain Significance. Algorithms developed to predict the effect of missense changes on protein structure and function output the following: SIFT: "Tolerated"; PolyPhen-2: "Benign"; Align-GVGD: "Class C0". The lysine amino acid residue is found in multiple mammalian species, which suggests that this missense change does not adversely affect protein function. ClinVar contains an entry for this variant (Variation ID: 423840). This variant has not been reported in the literature in individuals affected with NKX2-6-related conditions.

GeneDx
Classification: Uncertain significance. Last evaluated: 2017-02-23. Review status: criteria provided, single submitter. Criteria: GeneDx Variant Classification (06012015). Collection method: clinical testing. Allele origin: germline. Affected: yes.
Comment: The Q92K variant in the NKX2-6 gene has not been reported previously as a pathogenic variant, nor as a benign variant, to our knowledge. The Q92K variant is not observed at a significant frequency in large population cohorts (Lek et al., 2016; 1000 Genomes Consortium et al., 2015; Exome Variant Server). The Q92K variant is a semi-conservative amino acid substitution, which may impact secondary protein structure as these residues differ in some properties. This substitution occurs at a position that is not conserved. In silico analysis predicts this variant likely does not alter the protein structure/function. We interpret Q92K as a variant of uncertain significance